The following is an entry in ClinVar:

ClinVar aggregate classification (germline): Conflicting classifications of pathogenicity. Review status: criteria provided, conflicting classifications (1 of 4 stars). 2 submissions from 2 submitters: Pathogenic (1); Uncertain significance (1). Last evaluated 2022-09-19.

Conditions:
Severe congenital neutropenia (SCN). Identifiers: Orphanet 42738, MedGen C1853118, MONDO:0018542.
Autosomal recessive severe congenital neutropenia due to JAGN1 deficiency. Also called: Severe congenital neutropenia 6, autosomal recessive. Identifiers: Orphanet 423384, MedGen C4014954, MONDO:0014456, OMIM 616022.

Allele frequency attached by ClinVar (database versions not stated): TOPMed below 0.00001; ExAC 0.00001; gnomAD 0.00001; gnomAD exomes 0.00001.

Submissions (2):

Labcorp Genetics (formerly Invitae), Labcorp
Classification: Uncertain significance for Autosomal recessive severe congenital neutropenia due to JAGN1 deficiency. Last evaluated: 2022-09-19. Review status: criteria provided, single submitter. Criteria: Invitae Variant Classification Sherloc (09022015). Collection method: clinical testing. Allele origin: germline.
Comment: In summary, the available evidence is currently insufficient to determine the role of this variant in disease. Therefore, it has been classified as a Variant of Uncertain Significance. Algorithms developed to predict the effect of missense changes on protein structure and function are either unavailable or do not agree on the potential impact of this missense change (SIFT: "Deleterious"; PolyPhen-2: "Possibly Damaging"; Align-GVGD: "Class C0"). ClinVar contains an entry for this variant (Variation ID: 190479). This missense change has been observed in individual(s) with severe congenital neutropenia (PMID: 25129144). The frequency data for this variant in the population databases is considered unreliable, as metrics indicate poor data quality at this position in the gnomAD database. This sequence change replaces arginine, which is basic and polar, with glutamine, which is neutral and polar, at codon 20 of the JAGN1 protein (p.Arg20Gln).

Klein lab, Ludwig-Maximilians-University
Classification: Pathogenic for Severe congenital neutropenia. Last evaluated: 2013-01-01. Review status: criteria provided, single submitter. Criteria: Submitter's publication. Collection method: in vitro. Allele origin: germline. Inheritance: Autosomal recessive inheritance. Affected: yes. Observed: 1 variant allele, 1 homozygote.
Comment: Neutropenia patients with mutations in JAGN1 respond poorly to treatment with recombinant human G-CSF

Literature cited by the submitters: PubMed 25129144 (cited by Labcorp Genetics (formerly Invitae), Labcorp).

NM_032492.4(JAGN1):c.59G>A (p.Arg20Gln)

Gene: JAGN1 (jagunal vesicle mediated transporter 1; plus strand). Cytogenetic location: 3p25.3.
Variant type: single nucleotide variant.
Coding change: c.59G>A on transcript NM_032492.4 (MANE Select); coding-DNA position 59, G replaced by A.
Protein change: p.Arg20Gln; replaces arginine 20 with glutamine.
Molecular consequence: missense variant. On other transcripts: 5 prime UTR variant (1).
Genome position (GRCh38, 1-based): chr3:9,890,781, G>A. VCF-style: chr3-9890781-G-A. GRCh37 (hg19) VCF-style: chr3-9932465-G-A.
Other names: c.59G>A, p.Arg20Gln (LRG_1228t1); c.-210G>A (NM_001363890.1); short protein forms R20Q.
Identifiers: ClinVar variation 190479 (VCV000190479.6), dbSNP rs777966677, ClinGen allele CA199735.